The following is an entry in ClinVar:

ClinVar aggregate classification (germline): Uncertain significance (1 of 4 stars; one submission).

Submission:

Labcorp Genetics (formerly Invitae), Labcorp
Classification: Uncertain significance. Last evaluated: 2025-12-03. Review status: criteria provided, single submitter. Criteria: Invitae Variant Classification Sherloc (09022015). Collection method: clinical testing. Allele origin: germline.
Comment: This sequence change creates a premature translational stop signal (p.Ser781Argfs*48) in the SLCO5A1 gene. While this is not anticipated to result in nonsense mediated decay, it is expected to disrupt the last 68 amino acid(s) of the SLCO5A1 protein. This variant is present in population databases (rs749690824, gnomAD 0.06%), and has an allele count higher than expected for a pathogenic variant. This variant has not been reported in the literature in individuals affected with SLCO5A1-related conditions. Experimental studies and prediction algorithms are not available or were not evaluated, and the functional significance of this variant is currently unknown. In summary, the available evidence is currently insufficient to determine the role of this variant in disease. Therefore, it has been classified as a Variant of Uncertain Significance.

NM_030958.3(SLCO5A1):c.2343_2346del (p.Ser781fs)

Gene: SLCO5A1 (solute carrier organic anion transporter family member 5A1; minus strand). Cytogenetic location: 8q13.3.
Variant type: Microsatellite.
Coding change: c.2343_2346del on transcript NM_030958.3 (MANE Select); coding-DNA positions 2343 to 2346, 4 bases deleted (TGAG; older notation c.2343_2346delTGAG).
Protein change: p.Ser781fs; shifts the reading frame from serine 781.
Molecular consequence: frameshift variant. On other transcripts: 3 prime UTR variant (1).
Genome position (GRCh38, 1-based): chr8:69,673,070-69,673,073, CTCA deleted on the plus strand (TGAG on the coding strand, the reverse complement: SLCO5A1 is on the minus strand); deleting any 4 consecutive bases within chr8:69,673,070-69,673,078 gives the same sequence; the c. name uses the placement nearest the transcript's 3' end. VCF-style (leftmost placement, unchanged base first): chr8-69673069-TCTCA-T. GRCh37 (hg19) VCF-style: chr8-70585304-TCTCA-T.
Other names: c.*210TGAG[1] (NM_001146008.2); c.2178_2181del, p.Ser726fs (NM_001146009.1); short protein forms S726fs, S781fs.
Identifiers: ClinVar variation 1393394 (VCV001393394.6), dbSNP rs749690824, ClinGen allele CA4776352.